The following is an entry in ClinVar:

ClinVar aggregate classification (germline): Uncertain significance. Review status: criteria provided, multiple submitters, no conflicts (2 of 4 stars). 2 submissions from 2 submitters: Uncertain significance (2). Last evaluated 2025-04-29.

Conditions:
DICER1-related tumor predisposition. Also called: DICER1-related pleuropulmonary blastoma cancer predisposition syndrome; DICER1 syndrome. Identifiers: Orphanet 284343, MedGen C3839822, MONDO:0100216.
Hereditary cancer-predisposing syndrome. Also called: Tumor predisposition; Hereditary neoplastic syndrome; Hereditary Cancer Syndrome; Neoplastic Syndromes, Hereditary. Identifiers: Orphanet 140162, MedGen C0027672, MeSH D009386, MONDO:0015356.

Allele frequency attached by ClinVar (database versions not stated): gnomAD exomes below 0.00001.
gnomAD v4.1: 1 of 1,614,234 alleles (0.000062%); highest among the groups gnomAD compares: Non-Finnish European, 0.000085%; no homozygotes.

Submissions (2):

Ambry Genetics
Classification: Uncertain significance for Hereditary cancer-predisposing syndrome. Last evaluated: 2025-04-29. Review status: criteria provided, single submitter. Criteria: Ambry Variant Classification Scheme 2023. Collection method: clinical testing. Allele origin: germline.
Comment: The p.I1554V variant (also known as c.4660A>G), located in coding exon 22 of the DICER1 gene, results from an A to G substitution at nucleotide position 4660. The isoleucine at codon 1554 is replaced by valine, an amino acid with highly similar properties. This amino acid position is conserved. In addition, the in silico prediction for this alteration is inconclusive. Based on the available evidence, the clinical significance of this variant remains unclear.

Labcorp Genetics (formerly Invitae), Labcorp
Classification: Uncertain significance for DICER1-related tumor predisposition. Last evaluated: 2022-06-26. Review status: criteria provided, single submitter. Criteria: Invitae Variant Classification Sherloc (09022015). Collection method: clinical testing. Allele origin: germline.
Comment: In summary, the available evidence is currently insufficient to determine the role of this variant in disease. Therefore, it has been classified as a Variant of Uncertain Significance. Algorithms developed to predict the effect of missense changes on protein structure and function (SIFT, PolyPhen-2, Align-GVGD) all suggest that this variant is likely to be disruptive. This variant has not been reported in the literature in individuals affected with DICER1-related conditions. This variant is not present in population databases (gnomAD no frequency). This sequence change replaces isoleucine, which is neutral and non-polar, with valine, which is neutral and non-polar, at codon 1554 of the DICER1 protein (p.Ile1554Val).

NM_177438.3(DICER1):c.4660A>G (p.Ile1554Val)

Gene: DICER1 (dicer 1, ribonuclease III; minus strand). Cytogenetic location: 14q32.13.
Variant type: single nucleotide variant.
Coding change: c.4660A>G on transcript NM_177438.3 (MANE Select); coding-DNA position 4660, A replaced by G.
Protein change: p.Ile1554Val; replaces isoleucine 1554 with valine.
Molecular consequence: missense variant. On other transcripts: non-coding transcript variant (6).
Genome position (GRCh38, 1-based): chr14:95,096,260, T>C on the plus strand (A>G on the coding strand, the complement: DICER1 is on the minus strand). VCF-style: chr14-95096260-T-C. GRCh37 (hg19) VCF-style: chr14-95562597-T-C.
Other names: c.4660A>G, p.Ile1554Val (NM_001195573.1, NM_001271282.3, NM_001291628.2 and 13 more transcripts); c.4378A>G, p.Ile1460Val (NM_001395686.1); c.4255A>G, p.Ile1419Val (NM_001395687.1, NM_001395688.1, NM_001395689.1 and 2 more transcripts); c.4093A>G, p.Ile1365Val (NM_001395691.1); c.2977A>G, p.Ile993Val (NM_001395697.1); short protein forms I1365V, I1419V, I1460V, I1554V, I993V.
Identifiers: ClinVar variation 1959030 (VCV001959030.6), dbSNP rs2542490851, ClinGen allele CA390867583.